The following is an entry in ClinVar:

NM_020975.6(RET):c.193A>G (p.Ser65Gly)

Gene: RET (ret proto-oncogene; plus strand). Cytogenetic location: 10q11.21.
Variant type: single nucleotide variant.
Coding change: c.193A>G on transcript NM_020975.6 (MANE Select); coding-DNA position 193, A replaced by G.
Protein change: p.Ser65Gly; replaces serine 65 with glycine.
Molecular consequence: missense variant.
Genome position (GRCh38, 1-based): chr10:43,100,578, A>G. VCF-style: chr10-43100578-A-G. GRCh37 (hg19) VCF-style: chr10-43596026-A-G.
Other names: c.193A>G, p.Ser65Gly (NM_000323.2, NM_001406743.1, NM_001406744.1 and 34 more transcripts); short protein forms S65G.
Identifiers: ClinVar variation 1783023 (VCV001783023.2), dbSNP rs1162598981, ClinGen allele CA376770282.

ClinVar aggregate classification (germline): Uncertain significance (1 of 4 stars; one submission).

Conditions:
Hereditary cancer-predisposing syndrome. Also called: Neoplastic Syndromes, Hereditary; Tumor predisposition; Hereditary Cancer Syndrome; Hereditary neoplastic syndrome. Identifiers: Orphanet 140162, MedGen C0027672, MeSH D009386, MONDO:0015356.

Allele frequency attached by ClinVar (database versions not stated): TOPMed 0.00001 and 0.00002.

Submission:

Ambry Genetics
Classification: Uncertain significance for Hereditary cancer-predisposing syndrome. Last evaluated: 2021-10-01. Review status: criteria provided, single submitter. Criteria: Ambry Variant Classification Scheme 2023. Collection method: clinical testing. Allele origin: germline.
Comment: The p.S65G variant (also known as c.193A>G), located in coding exon 2 of the RET gene, results from an A to G substitution at nucleotide position 193. The serine at codon 65 is replaced by glycine, an amino acid with similar properties. This alteration was reported in 1/443 patients with sporadic Hirschsprung's disease and was not observed in 493 controls (Tang CS et al. Gastroenterology, 2018 12;155:1908-1922.e5). This amino acid position is not well conserved in available vertebrate species. In addition, this alteration is predicted to be tolerated by in silico analysis. Since supporting evidence is limited at this time, the clinical significance of this alteration remains unclear.

Literature cited by the submitters: PubMed 30217742.